The following is an entry in ClinVar:

ClinVar aggregate classification (germline): Uncertain significance (1 of 4 stars; one submission).

Allele frequency attached by ClinVar (database versions not stated): TOPMed below 0.00001; gnomAD exomes 0.00001.
gnomAD v4.1: 9 of 1,371,778 alleles (0.00066%); highest among the groups gnomAD compares: Non-Finnish European, 0.00084%; no homozygotes.

Submission:

Labcorp Genetics (formerly Invitae), Labcorp
Classification: Uncertain significance. Last evaluated: 2024-07-24. Review status: criteria provided, single submitter. Criteria: Invitae Variant Classification Sherloc (09022015). Collection method: clinical testing. Allele origin: germline.
Comment: This sequence change replaces glycine, which is neutral and non-polar, with alanine, which is neutral and non-polar, at codon 285 of the ARID1A protein (p.Gly285Ala). This variant is not present in population databases (gnomAD no frequency). This variant has not been reported in the literature in individuals affected with ARID1A-related conditions. Advanced modeling of protein sequence and biophysical properties (such as structural, functional, and spatial information, amino acid conservation, physicochemical variation, residue mobility, and thermodynamic stability) performed at Invitae indicates that this missense variant is not expected to disrupt ARID1A protein function with a negative predictive value of 95%. In summary, the available evidence is currently insufficient to determine the role of this variant in disease. Therefore, it has been classified as a Variant of Uncertain Significance.

NM_006015.6(ARID1A):c.854G>C (p.Gly285Ala)

Genes: ARID1A (AT-rich interaction domain 1A; plus strand), LOC129929837 (ATAC-STARR-seq lymphoblastoid silent region 489; plus strand). Cytogenetic location: 1p36.11.
Variant type: single nucleotide variant.
Coding change: c.854G>C on transcript NM_006015.6 (MANE Select); coding-DNA position 854, G replaced by C.
Protein change: p.Gly285Ala; replaces glycine 285 with alanine.
Molecular consequence: missense variant.
Genome position (GRCh38, 1-based): chr1:26,697,257, G>C. VCF-style: chr1-26697257-G-C. GRCh37 (hg19) VCF-style: chr1-27023748-G-C.
Other names: c.854G>C, p.Gly285Ala (NM_139135.4); short protein forms G285A.
Identifiers: ClinVar variation 2792682 (VCV002792682.3), dbSNP rs965234764, ClinGen allele CA19641726.